The following is an entry in ClinVar:

NM_001370298.3(FGD4):c.1339A>G (p.Met447Val)

Gene: FGD4 (FYVE, RhoGEF and PH domain containing 4; plus strand). Cytogenetic location: 12p11.21.
Variant type: single nucleotide variant.
Coding change: c.1339A>G on transcript NM_001370298.3 (MANE Select); coding-DNA position 1339, A replaced by G.
Protein change: p.Met447Val; replaces methionine 447 with valine.
Molecular consequence: missense variant. On other transcripts: 5 prime UTR variant (1).
Genome position (GRCh38, 1-based): chr12:32,602,252, A>G. VCF-style: chr12-32602252-A-G. GRCh37 (hg19) VCF-style: chr12-32755186-A-G.
Other names: p.Met310Val; c.1183A>G, p.Met395Val (NM_001304481.2); c.184A>G, p.Met62Val (NM_001304483.2); c.-124A>G (NM_001304484.2); c.649A>G, p.Met217Val (NM_001330373.2, NM_001330374.2, NM_001384130.1); c.376A>G, p.Met126Val (NM_001370297.1); c.1339A>G, p.Met447Val (NM_001384126.1); c.928A>G, p.Met310Val (NM_001384127.1, NM_001384128.1, NM_001385118.1 and 1 more transcripts); short protein forms M126V, M447V, M217V, M395V, M310V, M62V.
Identifiers: ClinVar variation 1486205 (VCV001486205.6), dbSNP rs368451193, ClinGen allele CA6506757.

ClinVar aggregate classification (germline): Uncertain significance. Review status: criteria provided, multiple submitters, no conflicts (2 of 4 stars). 2 submissions from 2 submitters: Uncertain significance (2). Last evaluated 2025-01-19.

Conditions:
Charcot-Marie-Tooth disease type 4. Also called: Charcot-Marie-Tooth disease, type IV; Charcot-Marie-Tooth, Type 4. Identifiers: Orphanet 64749, MedGen C4082197, MONDO:0018995.

Allele frequency attached by ClinVar (database versions not stated): ExAC 0.00002; gnomAD exomes 0.00001 and 0.00002; TOPMed 0.00001; gnomAD 0.00002; ESP Exome Variant Server 0.00008.
gnomAD v4.1: 18 of 1,614,066 alleles (0.0011%); highest among the groups gnomAD compares: South Asian, 0.0033%; no homozygotes.

Submissions (2):

Mayo Clinic Laboratories, Mayo Clinic
Classification: Uncertain significance. Last evaluated: 2025-01-19. Review status: criteria provided, single submitter. Criteria: ACMG Guidelines, 2015. Collection method: clinical testing. Allele origin: germline. Observed: 1 variant allele.
Comment: BP4

Labcorp Genetics (formerly Invitae), Labcorp
Classification: Uncertain significance for Charcot-Marie-Tooth disease type 4. Last evaluated: 2022-09-12. Review status: criteria provided, single submitter. Criteria: Invitae Variant Classification Sherloc (09022015). Collection method: clinical testing. Allele origin: germline.
Comment: This sequence change replaces methionine, which is neutral and non-polar, with valine, which is neutral and non-polar, at codon 310 of the FGD4 protein (p.Met310Val). This variant is present in population databases (rs368451193, gnomAD 0.006%). This variant has not been reported in the literature in individuals affected with FGD4-related conditions. ClinVar contains an entry for this variant (Variation ID: 1486205). Algorithms developed to predict the effect of missense changes on protein structure and function output the following: SIFT: "Tolerated"; PolyPhen-2: "Not Available"; Align-GVGD: "Class C0". The valine amino acid residue is found in multiple mammalian species, which suggests that this missense change does not adversely affect protein function. In summary, the available evidence is currently insufficient to determine the role of this variant in disease. Therefore, it has been classified as a Variant of Uncertain Significance.